The following is an entry in ClinVar:

ClinVar aggregate classification (germline): Conflicting classifications of pathogenicity. Review status: criteria provided, conflicting classifications (1 of 4 stars). 2 submissions from 2 submitters: Uncertain significance (1); Likely benign (1). Last evaluated 2024-10-28.

Conditions:
Inborn genetic diseases. Identifiers: MedGen C0950123, MeSH D030342.
Congenital myasthenic syndrome 8. Also called: Myasthenic syndrome, congenital, 8, with pre- and postsynaptic defects; MYASTHENIC SYNDROME, CONGENITAL, DUE TO AGRIN DEFICIENCY. Identifiers: Orphanet 590, MedGen C3808739, MONDO:0014052, OMIM 615120.

Allele frequency attached by ClinVar (database versions not stated): gnomAD exomes 0.00002; ExAC 0.00011; TOPMed 0.00002; gnomAD 0.00001.
gnomAD v4.1: 38 of 1,596,928 alleles (0.0024%); highest among the groups gnomAD compares: South Asian, 0.011%; no homozygotes.

Submissions (2):

Labcorp Genetics (formerly Invitae), Labcorp
Classification: Uncertain significance for Congenital myasthenic syndrome 8. Last evaluated: 2024-10-28. Review status: criteria provided, single submitter. Criteria: Invitae Variant Classification Sherloc (09022015). Collection method: clinical testing. Allele origin: germline.
Comment: This sequence change replaces arginine, which is basic and polar, with histidine, which is basic and polar, at codon 1580 of the AGRN protein (p.Arg1580His). This variant is present in population databases (rs780013869, gnomAD 0.02%). This variant has not been reported in the literature in individuals affected with AGRN-related conditions. ClinVar contains an entry for this variant (Variation ID: 2052665). An algorithm developed to predict the effect of missense changes on protein structure and function outputs the following: PolyPhen-2: "Benign". The histidine amino acid residue is found in multiple mammalian species, which suggests that this missense change does not adversely affect protein function. In summary, the available evidence is currently insufficient to determine the role of this variant in disease. Therefore, it has been classified as a Variant of Uncertain Significance.

Ambry Genetics
Classification: Likely benign for Inborn genetic diseases. Last evaluated: 2022-11-17. Review status: criteria provided, single submitter. Criteria: Ambry Variant Classification Scheme 2023. Collection method: clinical testing. Allele origin: germline.

NM_198576.4(AGRN):c.4739G>A (p.Arg1580His)

Gene: AGRN (agrin; plus strand). Cytogenetic location: 1p36.33.
Variant type: single nucleotide variant.
Coding change: c.4739G>A on transcript NM_198576.4 (MANE Select); coding-DNA position 4739, G replaced by A.
Protein change: p.Arg1580His; replaces arginine 1580 with histidine.
Molecular consequence: missense variant.
Genome position (GRCh38, 1-based): chr1:1,049,790, G>A. VCF-style: chr1-1049790-G-A. GRCh37 (hg19) VCF-style: chr1-985170-G-A.
Other names: c.4739G>A, p.Arg1580His (NM_001305275.2); c.4424G>A, p.Arg1475His (NM_001364727.2); short protein forms R1475H, R1580H.
Identifiers: ClinVar variation 2052665 (VCV002052665.4), dbSNP rs780013869, ClinGen allele CA509584.